The following is an entry in ClinVar:

ClinVar aggregate classification (germline): Uncertain significance. Review status: criteria provided, multiple submitters, no conflicts (2 of 4 stars). 2 submissions from 2 submitters: Uncertain significance (2). Last evaluated 2025-11-26.

Conditions:
Hereditary cancer-predisposing syndrome. Also called: Hereditary neoplastic syndrome; Tumor predisposition; Neoplastic Syndromes, Hereditary; Hereditary Cancer Syndrome. Identifiers: Orphanet 140162, MedGen C0027672, MeSH D009386, MONDO:0015356.
Multiple endocrine neoplasia, type 1 (MEN1). Also called: MEN I; WERMER SYNDROME; Endocrine adenomatosis multiple; MEN 1; MEA I. Identifiers: Orphanet 652, MedGen C0025267, MeSH D018761, MONDO:0007540, OMIM 131100.

Submissions (2):

Labcorp Genetics (formerly Invitae), Labcorp
Classification: Uncertain significance for Multiple endocrine neoplasia, type 1. Last evaluated: 2025-11-26. Review status: criteria provided, single submitter. Criteria: Invitae Variant Classification Sherloc (09022015). Collection method: clinical testing. Allele origin: germline.
Comment: This sequence change replaces glycine, which is neutral and non-polar, with alanine, which is neutral and non-polar, at codon 214 of the MEN1 protein (p.Gly214Ala). This variant is not present in population databases (gnomAD no frequency). This variant has not been reported in the literature in individuals affected with MEN1-related conditions. ClinVar contains an entry for this variant (Variation ID: 1483158). Invitae Evidence Modeling of protein sequence and biophysical properties (such as structural, functional, and spatial information, amino acid conservation, physicochemical variation, residue mobility, and thermodynamic stability) indicates that this missense variant is expected to disrupt MEN1 protein function with a positive predictive value of 95%. In summary, the available evidence is currently insufficient to determine the role of this variant in disease. Therefore, it has been classified as a Variant of Uncertain Significance.

Ambry Genetics
Classification: Uncertain significance for Hereditary cancer-predisposing syndrome. Last evaluated: 2025-04-16. Review status: criteria provided, single submitter. Criteria: Ambry Variant Classification Scheme 2023. Collection method: clinical testing. Allele origin: germline.
Comment: The p.G214A variant (also known as c.641G>C), located in coding exon 2 of the MEN1 gene, results from a G to C substitution at nucleotide position 641. The glycine at codon 214 is replaced by alanine, an amino acid with similar properties. This amino acid position is highly conserved in available vertebrate species. In addition, this alteration is predicted to be deleterious by in silico analysis. Based on the available evidence, the clinical significance of this variant remains unclear.

NM_001370259.2(MEN1):c.641G>C (p.Gly214Ala)

Gene: MEN1 (menin 1; minus strand). Cytogenetic location: 11q13.1.
Variant type: single nucleotide variant.
Coding change: c.641G>C on transcript NM_001370259.2 (MANE Select); coding-DNA position 641, G replaced by C.
Protein change: p.Gly214Ala; replaces glycine 214 with alanine.
Molecular consequence: missense variant. On other transcripts: intron variant (2).
Genome position (GRCh38, 1-based): chr11:64,807,904, C>G on the plus strand (G>C on the coding strand, the complement: MEN1 is on the minus strand). VCF-style: chr11-64807904-C-G. GRCh37 (hg19) VCF-style: chr11-64575376-C-G.
Other names: c.656G>C, p.Gly219Ala (NM_130804.3, NM_000244.4, NM_130800.3 and 3 more transcripts); c.549+92G>C (NM_001370263.2, NM_001370262.2); c.641G>C (NM_130799.2); c.641G>C, p.Gly214Ala (NM_001370251.2, NM_001370260.2, NM_001370261.2 and 1 more transcripts); short protein forms G214A, G219A.
Identifiers: ClinVar variation 1483158 (VCV001483158.9), dbSNP rs2136148915, ClinGen allele CA381185326.
Genomic context (GRCh38, chr11:64,807,904, plus strand): 5'-GGCTACTACAGTATGAAGGGGACAAGGCTGGGGGGAGGGAACAATACCCGCTCAGCCACA[C>G]CGGCATTGACTGTCTGGCCCCTGCGGTCCTCGTTGCCCTTGCCGTGCCAGGTGACCTCAG-3'
Protein context (NP_001357188.2, residues 204-224): EDRRGQTVNA[Gly214Ala]VAERSWLYLK